The following is an entry in ClinVar:

ClinVar aggregate classification (germline): Likely benign (1 of 4 stars; one submission).

Conditions:
SETD1B-related disorder. Also called: SETD1B-related condition.

gnomAD v4.1: 189 of 1,550,056 alleles (0.012%); highest among the groups gnomAD compares: African/African-American, 0.15%; 1 homozygote.

Submission:

PreventionGenetics, part of Exact Sciences
Classification: Likely benign for SETD1B-related condition. Last evaluated: 2026-06-05. Review status: criteria provided, single submitter. Criteria: ACMG Guidelines, 2015. Collection method: clinical testing. Allele origin: germline.
Comment: This variant is classified as likely benign based on ACMG/AMP sequence variant interpretation guidelines (Richards et al. 2015 PMID: 25741868, with internal and published modifications).

NM_001353345.2(SETD1B):c.17C>A (p.Pro6His)

Gene: SETD1B (SET domain containing 1B, histone lysine methyltransferase; plus strand). Cytogenetic location: 12q24.31.
Variant type: single nucleotide variant.
Coding change: c.17C>A on transcript NM_001353345.2 (MANE Select); coding-DNA position 17, C replaced by A.
Protein change: p.Pro6His; replaces proline 6 with histidine.
Molecular consequence: missense variant.
Genome position (GRCh38, 1-based): chr12:121,804,754, C>A. VCF-style: chr12-121804754-C-A. GRCh37 (hg19) VCF-style: chr12-122242660-C-A.
Other names: short protein forms P6H.
Identifiers: ClinVar variation 4987956 (VCV004987956.1).